The following is an entry in ClinVar:

ClinVar aggregate classification (germline): Uncertain significance (1 of 4 stars; one submission).

Submission:

GeneDx
Classification: Uncertain significance. Last evaluated: 2023-12-02. Review status: criteria provided, single submitter. Criteria: GeneDx Variant Classification Process June 2021. Collection method: clinical testing. Allele origin: germline. Affected: yes.
Comment: Not observed at significant frequency in large population cohorts (gnomAD); In silico analysis supports that this missense variant has a deleterious effect on protein structure/function; Has not been previously published as pathogenic or benign to our knowledge

NM_002875.5(RAD51):c.735G>C (p.Leu245Phe)

Gene: RAD51 (RAD51 recombinase; plus strand). Cytogenetic location: 15q15.1.
Variant type: single nucleotide variant.
Coding change: c.735G>C on transcript NM_002875.5 (MANE Select); coding-DNA position 735, G replaced by C.
Protein change: p.Leu245Phe; replaces leucine 245 with phenylalanine.
Molecular consequence: missense variant.
Genome position (GRCh38, 1-based): chr15:40,729,595, G>C. VCF-style: chr15-40729595-G-C. GRCh37 (hg19) VCF-style: chr15-41021793-G-C.
Other names: c.738G>C, p.Leu246Phe (NM_001164269.2, NM_133487.4); c.735G>C, p.Leu245Phe (NM_001164270.2); short protein forms L245F, L246F.
Identifiers: ClinVar variation 3364527 (VCV003364527.1).